The following is an entry in ClinVar:

NM_000642.3(AGL):c.4436T>C (p.Val1479Ala)

Gene: AGL (amylo-alpha-1,6-glucosidase and 4-alpha-glucanotransferase; plus strand). Cytogenetic location: 1p21.2.
Variant type: single nucleotide variant.
Coding change: c.4436T>C on transcript NM_000642.3 (MANE Select); coding-DNA position 4436, T replaced by C.
Protein change: p.Val1479Ala; replaces valine 1479 with alanine.
Molecular consequence: missense variant.
Genome position (GRCh38, 1-based): chr1:99,916,686, T>C. VCF-style: chr1-99916686-T-C. GRCh37 (hg19) VCF-style: chr1-100382242-T-C.
Other names: c.4436T>C, p.Val1479Ala (NM_000028.3, NM_000643.3, NM_000644.3 and 1 more transcripts); c.4388T>C, p.Val1463Ala (NM_000646.3); c.4415T>C, p.Val1472Ala (NM_001425326.1); c.4235T>C, p.Val1412Ala (NM_001425327.1); c.4232T>C, p.Val1411Ala (NM_001425328.1); c.4097T>C, p.Val1366Ala (NM_001425329.1); c.4058T>C, p.Val1353Ala (NM_001425332.1); short protein forms V1479A, V1463A, V1353A, V1366A, V1411A, V1412A, V1472A.
Identifiers: ClinVar variation 456507 (VCV000456507.8), dbSNP rs770178156, ClinGen allele CA967439.

ClinVar aggregate classification (germline): Uncertain significance. Review status: criteria provided, single submitter (1 of 4 stars). 2 submissions from 2 submitters: Uncertain significance (1). 1 of the submissions does not count toward it. Last evaluated 2022-06-23.

Conditions:
Glycogen storage disease type III (GSD3). Also called: FORBES DISEASE; Cori disease. Identifiers: Orphanet 366, MedGen C0017922, MONDO:0009291, OMIM 232400.

Allele frequency attached by ClinVar (database versions not stated): gnomAD exomes 0.00001 and 0.00002; ExAC 0.00002; gnomAD 0.00002; TOPMed 0.00003.
gnomAD v4.1: 36 of 1,613,332 alleles (0.0022%); highest among the groups gnomAD compares: Non-Finnish European, 0.0029%; no homozygotes.

Submissions (2):

Labcorp Genetics (formerly Invitae), Labcorp
Classification: Uncertain significance for Glycogen storage disease type III. Last evaluated: 2022-06-23. Review status: criteria provided, single submitter. Criteria: Invitae Variant Classification Sherloc (09022015). Collection method: clinical testing. Allele origin: germline.
Comment: This sequence change replaces valine, which is neutral and non-polar, with alanine, which is neutral and non-polar, at codon 1479 of the AGL protein (p.Val1479Ala). This variant is present in population databases (rs770178156, gnomAD 0.004%). This variant has not been reported in the literature in individuals affected with AGL-related conditions. ClinVar contains an entry for this variant (Variation ID: 456507). Algorithms developed to predict the effect of missense changes on protein structure and function (SIFT, PolyPhen-2, Align-GVGD) all suggest that this variant is likely to be tolerated. In summary, the available evidence is currently insufficient to determine the role of this variant in disease. Therefore, it has been classified as a Variant of Uncertain Significance.

Natera, Inc.
Classification: Uncertain significance for Glycogen storage disease type III. Last evaluated: 2019-10-28. Review status: no assertion criteria provided. Collection method: clinical testing. Allele origin: germline. Not counted in ClinVar's aggregate classification.